The following is an entry in ClinVar:

ClinVar aggregate classification (germline): Uncertain significance (1 of 4 stars; one submission).

Submission:

Ambry Genetics
Classification: Uncertain significance. Last evaluated: 2021-08-22. Review status: criteria provided, single submitter. Criteria: Ambry Variant Classification Scheme 2023. Collection method: clinical testing. Allele origin: germline.
Comment: The p.A669G variant (also known as c.2006C>G), located in coding exon 4 of the TMPO gene, results from a C to G substitution at nucleotide position 2006. The alanine at codon 669 is replaced by glycine, an amino acid with similar properties. This amino acid position is conserved. In addition, this alteration is predicted to be tolerated by in silico analysis. Since supporting evidence is limited at this time, the clinical significance of this alteration remains unclear.

NM_001032283.3(TMPO):c.565+2425C>G

Gene: TMPO (thymopoietin; plus strand). Cytogenetic location: 12q23.1.
Variant type: single nucleotide variant.
Coding change: c.565+2425C>G on transcript NM_001032283.3 (MANE Select); 2425 bases into the intron after coding-DNA position 565, C replaced by G.
Molecular consequence: intron variant. On other transcripts: missense variant (1).
Genome position (GRCh38, 1-based): chr12:98,534,263, C>G. VCF-style: chr12-98534263-C-G. GRCh37 (hg19) VCF-style: chr12-98928041-C-G.
Other names: c.2006C>G, p.Ala669Gly (NM_003276.2); c.565+2425C>G (NM_001307975.2, NM_001032284.3); short protein forms A669G.
Identifiers: ClinVar variation 1784323 (VCV001784323.2), dbSNP rs1268085556, ClinGen allele CA386154407.